The following is an entry in ClinVar:

ClinVar aggregate classification (germline): Pathogenic (1 of 4 stars; one submission).

Conditions:
Anophthalmia/microphthalmia-esophageal atresia syndrome (MCOPS3). Also called: MICROPHTHALMIA AND ESOPHAGEAL ATRESIA SYNDROME; AEG SYNDROME; SOX2 Disorder. Identifiers: Orphanet 77298, MedGen C1859773, MONDO:0008799, OMIM 206900.

Submission:

Labcorp Genetics (formerly Invitae), Labcorp
Classification: Pathogenic for Anophthalmia/microphthalmia-esophageal atresia syndrome. Last evaluated: 2021-06-22. Review status: criteria provided, single submitter. Criteria: Invitae Variant Classification Sherloc (09022015). Collection method: clinical testing. Allele origin: germline.
Comment: For these reasons, this variant has been classified as Pathogenic. This variant disrupts a region of the SOX2 protein in which other variant(s) (p.Pro181Argfs*22) have been determined to be pathogenic (PMID: 22171155). This suggests that this is a clinically significant region of the protein, and that variants that disrupt it are likely to be disease-causing. This variant has not been reported in the literature in individuals affected with SOX2-related conditions. This variant is not present in population databases (ExAC no frequency). This sequence change creates a premature translational stop signal (p.Tyr180Glyfs*25) in the SOX2 gene. While this is not anticipated to result in nonsense mediated decay, it is expected to disrupt the last 138 amino acid(s) of the SOX2 protein.

Literature cited by the submitters: PubMed 22171155.

NM_003106.4(SOX2):c.537_538insGGGTA (p.Tyr180fs)

Genes: SOX2-OT (SOX2 overlapping transcript; plus strand), SOX2 (SRY-box transcription factor 2; plus strand), LOC108281177 (SOX2 5' regulatory region; plus strand). Cytogenetic location: 3q26.33.
Variant type: Insertion.
Coding change: c.537_538insGGGTA on transcript NM_003106.4 (MANE Select); coding-DNA positions 537 to 538, GGGTA inserted.
Protein change: p.Tyr180fs; shifts the reading frame from tyrosine 180.
Molecular consequence: frameshift variant.
Genome position: GRCh38 VCF-style: chr3-181712897-C-CGGGTA. GRCh37 (hg19) VCF-style: chr3-181430685-C-CGGGTA.
Other names: short protein forms Y180fs.
Identifiers: ClinVar variation 1457230 (VCV001457230.6), dbSNP rs2108522776, ClinGen allele CA2573136739.